The following is an entry in ClinVar:

ClinVar aggregate classification (germline): Likely pathogenic (1 of 4 stars; one submission).

Conditions:
Familial hypokalemia-hypomagnesemia (GTLMNS). Also called: gitelman syndrome; HYPOMAGNESEMIA-HYPOKALEMIA, PRIMARY RENOTUBULAR, WITH HYPOCALCIURIA; POTASSIUM AND MAGNESIUM DEPLETION. Identifiers: Orphanet 358, MedGen C0268450, MONDO:0009904, OMIM 263800.

Submission:

Women's Health and Genetics/Laboratory Corporation of America, LabCorp
Classification: Likely pathogenic for Familial hypokalemia-hypomagnesemia. Last evaluated: 2022-10-31. Review status: criteria provided, single submitter. Criteria: LabCorp Variant Classification Summary - May 2015. Collection method: clinical testing. Allele origin: germline.
Comment: Variant summary: The variant identified by MLPA or other technology involves the deletion of exons 1-6 and the partial deletion of exon 7 in the SLC12A3 gene. A presumed nomenclature of c.(?_-30)_885del has been designated for the purposes of this classification. Although exact breakpoints of this deletion are not known, it is expected to remove the initiation codon and is predicted to result either in absence of the protein or truncation of the encoded protein due to translation initiation at a downstream site. An alternative downstream in-frame start codon (Met343) is located in exon 8 of the encoded protein. An activation of this potential downstream translation initiation site would result in a shortened protein missing the first 342 amino acids from the protein sequence, resulting in a large deletion in the SLC12A3 gene, a known mechanism of disease. Multiple variants located upstream of this alternate initiation codon, including several ones affecting the canonical initiation codon, have been reported as pathogenic/disease-causing in ClinVar/HGMD. The variant was absent in 21694 control chromosomes (gnomAD, Structural Variants dataset). To our knowledge, no occurrence of c.(?_-30)_885del in individuals affected with Familial Hypokalemia-Hypomagnesemia (Gitelman syndrome) and no experimental evidence demonstrating its impact on protein function have been reported. Nevertheless, deletion of exons 1-7 and deletion of exons 1-6 has been reported in the literature in multiple individuals affected with Gitelman Syndrome (PMIDs: 11168953, 22009145). One clinical diagnostic laboratory has submitted a clinical-significance assessment for a similar variant to ClinVar after 2014, which also involves the deletion of exons 1-6 and the partial deletion of exon 7 (Variation ID: 945564), and classified that variant as pathogenic. Based on the evidence outlined above, c.(?_-30)_885del was classified as likely pathogenic.

Literature cited by the submitters: PubMed 22009145; PubMed 11168953.

NM_000339.2:c.(?_-30)_885del

Gene: SLC12A3 (solute carrier family 12 member 3; plus strand).
Variant type: Deletion.
Identifiers: ClinVar variation 1723433 (VCV001723433.1).